The following is an entry in ClinVar:

NM_024312.5(GNPTAB):c.2499A>G (p.Glu833=)

Gene: GNPTAB (N-acetylglucosamine-1-phosphate transferase subunits alpha and beta; minus strand). Cytogenetic location: 12q23.2.
Variant type: single nucleotide variant.
Coding change: c.2499A>G on transcript NM_024312.5 (MANE Select); coding-DNA position 2499, A replaced by G.
Protein change: p.Glu833=; no amino-acid change (glutamic acid 833 retained).
Molecular consequence: synonymous variant.
Genome position (GRCh38, 1-based): chr12:101,764,418, T>C on the plus strand (A>G on the coding strand, the complement: GNPTAB is on the minus strand). VCF-style: chr12-101764418-T-C. GRCh37 (hg19) VCF-style: chr12-102158196-T-C.
Identifiers: ClinVar variation 306805 (VCV000306805.32), dbSNP rs77410031, ClinGen allele CA6746422.

ClinVar aggregate classification (germline): Conflicting classifications of pathogenicity. Review status: criteria provided, conflicting classifications (1 of 4 stars). 6 submissions from 5 submitters: Uncertain significance (2); Likely benign (2). 2 of the submissions do not count toward it. Last evaluated 2026-01-25.

Conditions:
Mucolipidosis type II. Also called: ML II ALPHA/BETA; Mucolipidosis 2; ML 2; Inclusion cell disease; Leroy Disease; N-acetylglucosamine 1phosphotransferase deficiency. Identifiers: Orphanet 576, MedGen C2673377, MONDO:0009650, OMIM 252500.
GNPTAB-Related Disorders. Also called: GNPTAB-related disorder; GNPTAB-related condition. Identifiers: MedGen CN381523.
Pseudo-Hurler polydystrophy. Also called: ML III; ML III ALPHA/BETA; MUCOLIPIDOSIS IIIA; ML IIIA; Mucolipidosis III Alpha/Beta; Type III Mucolipidosis. Identifiers: Orphanet 423461, Orphanet 577, MedGen C0033788, MONDO:0018931, OMIM 252600.

Allele frequency attached by ClinVar (database versions not stated): 1000 Genomes Project 30x 0.00016; 1000 Genomes Project 0.00020; TOPMed 0.00045; gnomAD exomes 0.00058; ESP Exome Variant Server 0.00069.
gnomAD v4.1: 913 of 1,613,408 alleles (0.057%); highest among the groups gnomAD compares: Non-Finnish European, 0.067%; no homozygotes.

Submissions (6):

Labcorp Genetics (formerly Invitae), Labcorp
Classification: Likely benign for Pseudo-Hurler polydystrophy; Mucolipidosis type II. Last evaluated: 2026-01-25. Review status: criteria provided, single submitter. Criteria: Invitae Variant Classification Sherloc (09022015). Collection method: clinical testing. Allele origin: germline.

CeGaT Center for Human Genetics Tuebingen
Classification: Likely benign. Last evaluated: 2024-11-01. Review status: criteria provided, single submitter. Criteria: CeGaT Center For Human Genetics Tuebingen Variant Classification Criteria Version 2. Collection method: clinical testing. Allele origin: germline. Affected: yes. Observed: 1 variant allele.
Comment: GNPTAB: BP4, BP7

Illumina Laboratory Services, Illumina
Classification: Uncertain significance for Pseudo-Hurler polydystrophy. Last evaluated: 2018-01-12. Review status: criteria provided, single submitter. Criteria: ICSL Variant Classification Criteria 13 December 2019. Collection method: clinical testing. Allele origin: germline.

Illumina Laboratory Services, Illumina
Classification: Uncertain significance for Mucolipidosis type II. Last evaluated: 2018-01-12. Review status: criteria provided, single submitter. Criteria: ICSL Variant Classification Criteria 13 December 2019. Collection method: clinical testing. Allele origin: germline.

PreventionGenetics, part of Exact Sciences
Classification: Likely benign for GNPTAB-related condition. Last evaluated: 2021-04-19. Review status: no assertion criteria provided. Collection method: clinical testing. Allele origin: germline. Not counted in ClinVar's aggregate classification.
Comment: This variant is classified as likely benign based on ACMG/AMP sequence variant interpretation guidelines (Richards et al. 2015 PMID: 25741868, with internal and published modifications).

Natera, Inc.
Classification: Uncertain significance for Mucolipidosis type II. Last evaluated: 2020-04-17. Review status: no assertion criteria provided. Collection method: clinical testing. Allele origin: germline. Not counted in ClinVar's aggregate classification.